The following is an entry in ClinVar:

NM_018100.4(EFHC1):c.475C>G (p.Arg159Gly)

Gene: EFHC1 (EF-hand domain containing 1; plus strand). Cytogenetic location: 6p12.2.
Variant type: single nucleotide variant.
Coding change: c.475C>G on transcript NM_018100.4 (MANE Select); coding-DNA position 475, C replaced by G.
Protein change: p.Arg159Gly; replaces arginine 159 with glycine.
Molecular consequence: missense variant. On other transcripts: non-coding transcript variant (1).
Genome position (GRCh38, 1-based): chr6:52,438,493, C>G. VCF-style: chr6-52438493-C-G. GRCh37 (hg19) VCF-style: chr6-52303291-C-G.
Other names: p.R159G:CGG>GGG; c.418C>G, p.Arg140Gly (NM_001172420.2); short protein forms R159G, R140G.
Identifiers: ClinVar variation 196484 (VCV000196484.19), dbSNP rs3804506, ClinGen allele CA302934.
Genomic context (GRCh38, chr6:52,438,493, plus strand): 5'-GAAAATTCTGGAATCCTTCAAGGCAAGTTAATAAAACGCCAGCGGCTAGCCAAGAATGAC[C>G]GGGGTGACCATTACCATTGGAAAGACCTAAATCGAGGAATAAACATCACAATTTATGGCA-3'
Protein context (NP_060570.2, residues 149-169): IKRQRLAKND[Arg159Gly]GDHYHWKDLN

ClinVar aggregate classification (germline): Benign/Likely benign. Review status: criteria provided, multiple submitters, no conflicts (2 of 4 stars). 5 submissions from 5 submitters: Benign (3); Likely benign (1). 1 of the submissions does not count toward it. Last evaluated 2025-12-01.

Conditions:
EFHC1-related disorder. Also called: EFHC1-related condition.
Absence seizure. Also called: Absence epilepsy. Identifiers: Orphanet 1941, MedGen C0014553.
Myoclonic epilepsy, juvenile, susceptibility to, 1. Also called: Myoclonic Epilepsy, Juvenile, 1; EJM1. Identifiers: MedGen C1850778, MONDO:0020752, OMIM 254770.

Allele frequency attached by ClinVar (database versions not stated): 1000 Genomes Project 30x 0.01421; 1000 Genomes Project 0.01238.

Submissions (5):

Labcorp Genetics (formerly Invitae), Labcorp
Classification: Benign for Myoclonic epilepsy, juvenile, susceptibility to, 1; Absence seizure. Last evaluated: 2025-12-01. Review status: criteria provided, single submitter. Criteria: Invitae Variant Classification Sherloc (09022015). Collection method: clinical testing. Allele origin: germline.

Center for Pediatric Genomic Medicine, Children's Mercy Hospital and Clinics
Classification: Likely benign. Last evaluated: 2016-12-09. Review status: criteria provided, single submitter. Criteria: ACMG Guidelines, 2015. Collection method: clinical testing. Allele origin: germline.
ClinVar note: Converted during submission from Likely Benign to Likely benign.

Eurofins Ntd Llc (ga)
Classification: Benign. Last evaluated: 2015-05-01. Review status: criteria provided, single submitter. Criteria: EGL Classification Definitions 2015. Collection method: clinical testing. Allele origin: germline. Observed: 1 variant allele, 1 heterozygote.

GeneDx
Classification: Benign. Last evaluated: 2015-02-20. Review status: criteria provided, single submitter. Criteria: GeneDx Variant Classification (06012015). Collection method: clinical testing. Allele origin: germline. Affected: yes.
Comment: This variant is considered likely benign or benign based on one or more of the following criteria: it is a conservative change, it occurs at a poorly conserved position in the protein, it is predicted to be benign by multiple in silico algorithms, and/or has population frequency not consistent with disease.

PreventionGenetics, part of Exact Sciences
Classification: Benign for EFHC1-related condition. Last evaluated: 2019-10-01. Review status: no assertion criteria provided. Collection method: clinical testing. Allele origin: germline. Not counted in ClinVar's aggregate classification.
Comment: This variant is classified as benign based on ACMG/AMP sequence variant interpretation guidelines (Richards et al. 2015 PMID: 25741868, with internal and published modifications).